The following is an entry in ClinVar:

NM_007294.4(BRCA1):c.5081A>C (p.Glu1694Ala)

Gene: BRCA1 (BRCA1 DNA repair associated; minus strand). Cytogenetic location: 17q21.31.
Variant type: single nucleotide variant.
Coding change: c.5081A>C on transcript NM_007294.4 (MANE Select); coding-DNA position 5081, A replaced by C.
Protein change: p.Glu1694Ala; replaces glutamic acid 1694 with alanine.
Molecular consequence: missense variant. On other transcripts: non-coding transcript variant (1).
Genome position (GRCh38, 1-based): chr17:43,063,945, T>G on the plus strand (A>C on the coding strand, the complement: BRCA1 is on the minus strand). VCF-style: chr17-43063945-T-G. GRCh37 (hg19) VCF-style: chr17-41215962-T-G.
Other names: c.4868A>C, p.Glu1623Ala (NM_001407571.1, NM_001407894.1, NM_001407895.1 and 12 more transcripts); c.5147A>C, p.Glu1716Ala (NM_001407581.1, NM_001407582.1); c.5144A>C, p.Glu1715Ala (NM_001407583.1, NM_001407585.1, NM_001407587.1 and 1 more transcripts); c.5141A>C, p.Glu1714Ala (NM_001407590.1, NM_001407591.1); c.5081A>C, p.Glu1694Ala (NM_001407593.1, NM_001407594.1, NM_001407596.1 and 7 more transcripts); c.5078A>C, p.Glu1693Ala (NM_001407620.1, NM_001407621.1, NM_001407622.1 and 17 more transcripts); c.5075A>C, p.Glu1692Ala (NM_001407627.1, NM_001407628.1, NM_001407639.1 and 14 more transcripts); c.5072A>C, p.Glu1691Ala (NM_001407644.1, NM_001407645.1); and 71 more; short protein forms E1694A, E1715A, E1647A, E590A, E1398A, E1525A, E1583A, E1668A.
Identifiers: ClinVar variation 868618 (VCV000868618.3), dbSNP rs1567769562, ClinGen allele CA10591362.
Genomic context (GRCh38, chr17:43,063,945, plus strand): 5'-ACTACCCATTTTCCTCCCGCAATTCCTAGAAAATATTTCAGTGTCCGTTCACACACAAAC[T>G]CAGCATCTGCAGAATGAAAAACACTCAAAGGATTAGAAGTTGAAAACAAAATCAGGAAGT-3'
Protein context (NP_009225.1, residues 1684-1704): TTHVVMKTDA[Glu1694Ala]FVCERTLKYF

Conditions:
Breast-ovarian cancer, familial, susceptibility to, 1 (BROVCA1). Also called: BRCA1 Hereditary Breast and Ovarian Cancer; OVARIAN CANCER, SUSCEPTIBILITY TO. Identifiers: Orphanet 145, MedGen C2676676, MONDO:0011450, OMIM 604370. Disease mechanism: loss of function.

Submission:

Brotman Baty Institute, University of Washington
No classification provided (evidence only). Condition: Breast-ovarian cancer, familial 1. Review status: no classification provided. Collection method: in vitro. Allele origin: not applicable. Functional consequence: functionally_normal.
ClinVar note: "not provided" was previously submitted as the classification for the variant. However, the classification appeared to be based only on an observation of functional data so it was converted to no classification on 2025-07-30.